The following is an entry in ClinVar:

Conditions:
Arteriohepatic dysplasia. Also called: Alagille Syndrome. Identifiers: Orphanet 52, MedGen C0085280, MeSH D016738, MONDO:0007318.

Submission:

Gilbert/Spinner Lab, Children's Hospital of Philadelphia
No classification provided (evidence only). Condition: Alagille syndrome. Review status: no classification provided. Collection method: research. Allele origin: not applicable. Functional consequence: functionally_abnormal.
ClinVar note: "not provided" was previously submitted as the classification for the variant. However, the classification appeared to be based only on an observation of functional data so it was converted to no classification on 2025-07-30.

NM_000214.3(JAG1):c.561T>G (p.Cys187Trp)

Gene: JAG1 (jagged canonical Notch ligand 1; minus strand). Cytogenetic location: 20p12.2.
Variant type: single nucleotide variant.
Coding change: c.561T>G on transcript NM_000214.3 (MANE Select); coding-DNA position 561, T replaced by G.
Protein change: p.Cys187Trp; replaces cysteine 187 with tryptophan.
Molecular consequence: missense variant.
Genome position (GRCh38, 1-based): chr20:10,658,601, A>C on the plus strand (T>G on the coding strand, the complement: JAG1 is on the minus strand). VCF-style: chr20-10658601-A-C. GRCh37 (hg19) VCF-style: chr20-10639249-A-C.
Other names: short protein forms C187W.
Identifiers: ClinVar variation 3573063 (VCV003573063.2).
Genomic context (GRCh38, chr20:10,658,601, plus strand): 5'-AAAGAAGTCATCTCTGGGGCGGCAGAACTTATTGCAGCCAAAGCCATAGTAGTAGTCATC[A>C]CAGGTCACGCGGATCTGATACTCAAAGTGGGCAACGCCCGTGTTCTGCTTCAGCGTCTGC-3'
Protein context (NP_000205.1, residues 177-197): AHFEYQIRVT[Cys187Trp]DDYYYGFGCN